The following is an entry in ClinVar:

ClinVar aggregate classification (germline): Uncertain significance. Review status: criteria provided, multiple submitters, no conflicts (2 of 4 stars). 2 submissions from 2 submitters: Uncertain significance (2). Last evaluated 2025-09-02.

Conditions:
Inborn genetic diseases. Identifiers: MedGen C0950123, MeSH D030342.

gnomAD v4.1: 7 of 1,614,174 alleles (0.00043%); highest among the groups gnomAD compares: Non-Finnish European, 0.00051%; no homozygotes.

Submissions (2):

Ambry Genetics
Classification: Uncertain significance for Inborn genetic diseases. Last evaluated: 2025-09-02. Review status: criteria provided, single submitter. Criteria: Ambry Variant Classification Scheme 2023. Collection method: clinical testing. Allele origin: germline.

GeneDx
Classification: Uncertain significance. Last evaluated: 2024-09-03. Review status: criteria provided, single submitter. Criteria: GeneDx Variant Classification Process June 2021. Collection method: clinical testing. Allele origin: germline. Affected: yes.
Comment: Not observed at significant frequency in large population cohorts (gnomAD); In silico analysis indicates that this missense variant does not alter protein structure/function; Has not been previously published as pathogenic or benign to our knowledge

NM_001136193.2(FASTKD2):c.560C>T (p.Ala187Val)

Gene: FASTKD2 (FAST kinase domains 2; plus strand). Cytogenetic location: 2q33.3.
Variant type: single nucleotide variant.
Coding change: c.560C>T on transcript NM_001136193.2 (MANE Select); coding-DNA position 560, C replaced by T.
Protein change: p.Ala187Val; replaces alanine 187 with valine.
Molecular consequence: missense variant.
Genome position (GRCh38, 1-based): chr2:206,767,253, C>T. VCF-style: chr2-206767253-C-T. GRCh37 (hg19) VCF-style: chr2-207631977-C-T.
Other names: c.560C>T, p.Ala187Val (NM_001136194.2, NM_014929.4); short protein forms A187V.
Identifiers: ClinVar variation 3766047 (VCV003766047.2).